The following is an entry in ClinVar:

NM_144573.4(NEXN):c.1618A>G (p.Met540Val)

Gene: NEXN (nexilin F-actin binding protein; plus strand). Cytogenetic location: 1p31.1.
Variant type: single nucleotide variant.
Coding change: c.1618A>G on transcript NM_144573.4 (MANE Select); coding-DNA position 1618, A replaced by G.
Protein change: p.Met540Val; replaces methionine 540 with valine.
Molecular consequence: missense variant.
Genome position (GRCh38, 1-based): chr1:77,942,167, A>G. VCF-style: chr1-77942167-A-G. GRCh37 (hg19) VCF-style: chr1-78407852-A-G.
Other names: p.M540V:ATG>GTG; c.1426A>G, p.Met476Val (NM_001172309.2); short protein forms M540V, M476V.
Identifiers: ClinVar variation 201929 (VCV000201929.29), dbSNP rs201390657, ClinGen allele CA335427.
Genomic context (GRCh38, chr1:77,942,167, plus strand): 5'-ATGGCTAAGGCAAGAGAAGAAGAAGAACAAAGAAGAATTGAAGAACAAAAGTTACTACGC[A>G]TGCAGTTTGAACAAAGGGAAATTGATGCAGCACTACAAAAGGTACCAGGCTTATGTATCC-3'
Protein context (NP_653174.3, residues 530-550): RRIEEQKLLR[Met540Val]QFEQREIDAA

ClinVar aggregate classification (germline): Benign/Likely benign. Review status: criteria provided, multiple submitters, no conflicts (2 of 4 stars). 11 submissions from 11 submitters: Benign (2); Likely benign (7). 2 of the submissions do not count toward it. Last evaluated 2026-01-26.

Conditions:
Cardiovascular phenotype. Identifiers: MedGen CN230736.
Hypertrophic cardiomyopathy 20. Identifiers: MedGen C3151267, MONDO:0013477, OMIM 613876.
Dilated cardiomyopathy 1CC (CMD1CC). Identifiers: Orphanet 154, MedGen C2751084, MONDO:0013147, OMIM 613122.
Cardiomyopathy (CMYO). Also called: Cardiomyopathies. Identifiers: Orphanet 167848, MedGen C0878544, MONDO:0004994, HP:0001638. Inheritance: Various modes of inheritance.

Allele frequency attached by ClinVar (database versions not stated): gnomAD exomes 0.00012 and 0.00033; ExAC 0.00043; gnomAD 0.00108 and 0.00113; 1000 Genomes Project 0.00140; 1000 Genomes Project 30x 0.00141; TOPMed 0.00141; ESP Exome Variant Server 0.00142.
gnomAD v4.1: 340 of 1,613,816 alleles (0.021%); highest among the groups gnomAD compares: African/African-American, 0.35%; 1 homozygote.

Submissions (11):

Labcorp Genetics (formerly Invitae), Labcorp
Classification: Benign for Dilated cardiomyopathy 1CC; Hypertrophic cardiomyopathy 20. Last evaluated: 2026-01-26. Review status: criteria provided, single submitter. Criteria: Invitae Variant Classification Sherloc (09022015). Collection method: clinical testing. Allele origin: germline.

Mayo Clinic Laboratories, Mayo Clinic
Classification: Likely benign. Last evaluated: 2025-12-12. Review status: criteria provided, single submitter. Criteria: ACMG Guidelines, 2015. Collection method: clinical testing. Allele origin: germline. Observed: 6 variant alleles.
Comment: BS1, BP4

Molecular Diagnostic Laboratory for Inherited Cardiovascular Disease, Montreal Heart Institute
Classification: Likely benign. Last evaluated: 2025-04-09. Review status: criteria provided, single submitter. Criteria: ACMG Guidelines, 2015. Collection method: clinical testing. Allele origin: germline. Affected: no.

Women's Health and Genetics/Laboratory Corporation of America, LabCorp
Classification: Likely benign. Last evaluated: 2023-08-19. Review status: criteria provided, single submitter. Criteria: LabCorp Variant Classification Summary - May 2015. Collection method: clinical testing. Allele origin: germline.

GeneDx
Classification: Likely benign. Last evaluated: 2020-10-19. Review status: criteria provided, single submitter. Criteria: GeneDx Variant Classification Process June 2021. Collection method: clinical testing. Allele origin: germline. Affected: yes.
Comment: This variant is associated with the following publications: (PMID: 28087566)

Ambry Genetics
Classification: Likely benign for Cardiovascular phenotype. Last evaluated: 2018-06-19. Review status: criteria provided, single submitter. Criteria: Ambry Variant Classification Scheme 2023. Collection method: clinical testing. Allele origin: germline.

CHEO Genetics Diagnostic Laboratory, Children's Hospital of Eastern Ontario
Classification: Benign for Cardiomyopathy. Last evaluated: 2017-12-01. Review status: criteria provided, single submitter. Criteria: ACMG Guidelines, 2015. Collection method: clinical testing. Allele origin: germline.

Laboratory for Molecular Medicine, Mass General Brigham Personalized Medicine
Classification: Likely benign. Last evaluated: 2012-03-19. Review status: criteria provided, single submitter. Criteria: LMM Criteria. Collection method: clinical testing. Allele origin: germline. Observed: 1 variant allele.
Comment: p.Met540Val in exon 12 of NEXN: This variant is not expected to have clinical si gnificance because it has been identified in 0.5% (16/3034) of African American chromosomes from a broad population by the NHLBI Exome Sequencing Project.

Breakthrough Genomics
Classification: Likely benign. Review status: criteria provided, single submitter. Criteria: ACMG Guidelines, 2015. Collection method: not provided. Allele origin: germline. Inheritance: Autosomal dominant inheritance. Affected: yes.

Clinical Genetics DNA and cytogenetics Diagnostics Lab, Erasmus MC, Erasmus Medical Center
Classification: Likely benign. Review status: no assertion criteria provided. Collection method: clinical testing. Allele origin: germline. Affected: yes. Study: VKGL Data-share Consensus. Not counted in ClinVar's aggregate classification.

Clinical Genetics, Academic Medical Center
Classification: Benign. Review status: no assertion criteria provided. Collection method: clinical testing. Allele origin: germline. Affected: yes. Study: VKGL Data-share Consensus. Not counted in ClinVar's aggregate classification.

Literature cited by the submitters: PubMed 28087566 (cited by Mayo Clinic Laboratories, Mayo Clinic and Ambry Genetics).